The following is an entry in ClinVar:

NM_016284.5(CNOT1):c.807-3C>T

Gene: CNOT1 (CCR4-NOT transcription complex subunit 1; minus strand). Cytogenetic location: 16q21.
Variant type: single nucleotide variant.
Coding change: c.807-3C>T on transcript NM_016284.5 (MANE Select); 3 bases into the intron before coding-DNA position 807, C replaced by T.
Molecular consequence: intron variant.
Genome position (GRCh38, 1-based): chr16:58,583,185, G>A on the plus strand (C>T on the coding strand, the complement: CNOT1 is on the minus strand). VCF-style: chr16-58583185-G-A. GRCh37 (hg19) VCF-style: chr16-58617089-G-A.
Other names: c.807-3C>T (NM_001265612.2, NM_206999.3).
Identifiers: ClinVar variation 4761881 (VCV004761881.1).

ClinVar aggregate classification (germline): Uncertain significance (1 of 4 stars; one submission).

gnomAD v4.1: 2 of 1,612,564 alleles (0.00012%); highest among the groups gnomAD compares: Admixed American, 0.0034%; no homozygotes.

Submission:

Labcorp Genetics (formerly Invitae), Labcorp
Classification: Uncertain significance. Last evaluated: 2025-07-31. Review status: criteria provided, single submitter. Criteria: Invitae Variant Classification Sherloc (09022015). Collection method: clinical testing. Allele origin: germline.
Comment: This sequence change falls in intron 8 of the CNOT1 gene. It does not directly change the encoded amino acid sequence of the CNOT1 protein. It affects a nucleotide within the consensus splice site. This variant is not present in population databases (gnomAD no frequency). This variant has not been reported in the literature in individuals affected with CNOT1-related conditions. Variants that disrupt the consensus splice site are a relatively common cause of aberrant splicing (PMID: 17576681, 9536098). Algorithms developed to predict the effect of sequence changes on RNA splicing suggest that this variant is not likely to affect RNA splicing. In summary, the available evidence is currently insufficient to determine the role of this variant in disease. Therefore, it has been classified as a Variant of Uncertain Significance.

Literature cited by the submitters: PubMed 17576681; PubMed 9536098.